The following is an entry in ClinVar:

ClinVar aggregate classification (germline): Uncertain significance (1 of 4 stars; one submission).

gnomAD v4.1: 1 of 1,611,620 alleles (0.000062%); highest among the groups gnomAD compares: South Asian, 0.0011%; no homozygotes.

Submission:

GeneDx
Classification: Uncertain significance. Last evaluated: 2024-11-25. Review status: criteria provided, single submitter. Criteria: GeneDx Variant Classification Process June 2021. Collection method: clinical testing. Allele origin: germline. Affected: yes.
Comment: Not observed at significant frequency in large population cohorts (gnomAD); In silico analysis indicates that this missense variant does not alter protein structure/function; Has not been previously published as pathogenic or benign to our knowledge

NM_014515.7(CNOT2):c.260G>A (p.Arg87Lys)

Gene: CNOT2 (CCR4-NOT transcription complex subunit 2; plus strand). Cytogenetic location: 12q15.
Variant type: single nucleotide variant.
Coding change: c.260G>A on transcript NM_014515.7 (MANE Select); coding-DNA position 260, G replaced by A.
Protein change: p.Arg87Lys; replaces arginine 87 with lysine.
Molecular consequence: missense variant. On other transcripts: non-coding transcript variant (1).
Genome position (GRCh38, 1-based): chr12:70,329,444, G>A. VCF-style: chr12-70329444-G-A. GRCh37 (hg19) VCF-style: chr12-70723224-G-A.
Other names: c.260G>A, p.Arg87Lys (NM_001199302.2, NM_001199303.2, NM_001414651.1 and 2 more transcripts); c.233G>A, p.Arg78Lys (NM_001414653.1, NM_001414654.1, NM_001414655.1); c.218G>A, p.Arg73Lys (NM_001414656.1); c.200G>A, p.Arg67Lys (NM_001414657.1, NM_001414658.1, NM_001414659.1 and 1 more transcripts); c.137G>A, p.Arg46Lys (NM_001414661.1); short protein forms R46K, R67K, R73K, R78K, R87K.
Identifiers: ClinVar variation 3900052 (VCV003900052.1).